The following is an entry in ClinVar:

ClinVar aggregate classification (germline): Likely benign. Review status: criteria provided, multiple submitters, no conflicts (2 of 4 stars). 4 submissions from 4 submitters: Likely benign (3). 1 of the submissions does not count toward it. Last evaluated 2026-02-03.

Conditions:
PACS2-related disorder. Also called: PACS2-related condition.
Inborn genetic diseases. Identifiers: MedGen C0950123, MeSH D030342.

Allele frequency attached by ClinVar (database versions not stated): ESP Exome Variant Server 0.00023; gnomAD 0.00024 and 0.00025; TOPMed 0.00030; gnomAD exomes 0.00031; ExAC 0.00035.
gnomAD v4.1: 601 of 1,600,634 alleles (0.038%); highest among the groups gnomAD compares: Non-Finnish European, 0.041%; no homozygotes.

Submissions (7):

Labcorp Genetics (formerly Invitae), Labcorp
Classification: Likely benign. Last evaluated: 2026-02-03. Review status: criteria provided, single submitter. Criteria: Invitae Variant Classification Sherloc (09022015). Collection method: clinical testing. Allele origin: germline.

CeGaT Center for Human Genetics Tuebingen
Classification: Likely benign. Last evaluated: 2024-02-01. Review status: criteria provided, single submitter. Criteria: CeGaT Center For Human Genetics Tuebingen Variant Classification Criteria Version 2. Collection method: clinical testing. Allele origin: germline. Affected: yes. Observed: 1 variant allele.
Comment: PACS2: BP4

Ambry Genetics
Classification: Likely benign for Inborn genetic diseases. Last evaluated: 2021-09-07. Review status: criteria provided, single submitter. Criteria: Ambry Variant Classification Scheme 2023. Collection method: clinical testing. Allele origin: germline.

PreventionGenetics, part of Exact Sciences
Classification: Likely benign for PACS2-related condition. Last evaluated: 2024-02-26. Review status: no assertion criteria provided. Collection method: clinical testing. Allele origin: germline. Not counted in ClinVar's aggregate classification.
Comment: This variant is classified as likely benign based on ACMG/AMP sequence variant interpretation guidelines (Richards et al. 2015 PMID: 25741868, with internal and published modifications).

Dr. Peter K. Rogan Lab, Western University
No classification provided (evidence only). Condition: Uterine corpus endometrial carcinoma. Review status: no classification provided. Collection method: in vitro. Allele origin: not applicable. Functional consequence: retained intron. Not counted in ClinVar's aggregate classification.

Dr. Peter K. Rogan Lab, Western University
No classification provided (evidence only). Condition: Sarcoma. Review status: no classification provided. Collection method: in vitro. Allele origin: not applicable. Functional consequence: retained intron. Not counted in ClinVar's aggregate classification.

Dr. Peter K. Rogan Lab, Western University
No classification provided (evidence only). Condition: Ovarian serous cystadenocarcinoma. Review status: no classification provided. Collection method: in vitro. Allele origin: not applicable. Functional consequence: retained intron. Not counted in ClinVar's aggregate classification.

NM_001100913.3(PACS2):c.1889C>T (p.Ala630Val)

Gene: PACS2 (phosphofurin acidic cluster sorting protein 2; plus strand). Cytogenetic location: 14q32.33.
Variant type: single nucleotide variant.
Coding change: c.1889C>T on transcript NM_001100913.3 (MANE Select); coding-DNA position 1889, C replaced by T.
Protein change: p.Ala630Val; replaces alanine 630 with valine.
Molecular consequence: missense variant.
Genome position (GRCh38, 1-based): chr14:105,384,461, C>T. VCF-style: chr14-105384461-C-T. GRCh37 (hg19) VCF-style: chr14-105850798-C-T.
Other names: c.1889C>T (NM_001100913.2); c.1652C>T, p.Ala551Val (NM_001243127.3); c.1877C>T, p.Ala626Val (NM_015197.4); short protein forms A551V, A626V, A630V.
Identifiers: ClinVar variation 1611756 (VCV001611756.33), dbSNP rs201652289, ClinGen allele CA7389029.
Genomic context (GRCh38, chr14:105,384,461, plus strand): 5'-ACAACTTCTTCCAGGACCTGGCCTGGAGAGACCTGTTCAACAAGCTGGAGGCCCAGAGTG[C>T]GGGTGAGGCCCGGGCGCGTCCACAGCCCACGCCACGGCGGGAGGAAGGGGCCCCGGTTTC-3'
Protein context (NP_001094383.2, residues 620-640): DLFNKLEAQS[Ala630Val]VQDTPDIVSR